The following is an entry in ClinVar:

NM_024635.4(NAA35):c.842A>G (p.His281Arg)

Gene: NAA35 (N-alpha-acetyltransferase 35, NatC auxiliary subunit; plus strand). Cytogenetic location: 9q21.33.
Variant type: single nucleotide variant.
Coding change: c.842A>G on transcript NM_024635.4 (MANE Select); coding-DNA position 842, A replaced by G.
Protein change: p.His281Arg; replaces histidine 281 with arginine.
Molecular consequence: missense variant.
Genome position (GRCh38, 1-based): chr9:85,978,346, A>G. VCF-style: chr9-85978346-A-G. GRCh37 (hg19) VCF-style: chr9-88593261-A-G.
Other names: c.842A>G, p.His281Arg (NM_001321881.2, NM_001321882.2); short protein forms H281R.
Identifiers: ClinVar variation 2785728 (VCV002785728.3), dbSNP rs745654883, ClinGen allele CA5107258.
Genomic context (GRCh38, chr9:85,978,346, plus strand): 5'-CTCAAAAATTGATGGTTCAAGCAGCAGATCTTCTTTCTGCCATTCATAATTCATTGCATC[A>G]TGGCATCCAGGCCCAGAATGATACTACAAAAGGAGGTAATTGTTCAATTTGCTCCTACTC-3'
Protein context (NP_078911.3, residues 271-291): LLSAIHNSLH[His281Arg]GIQAQNDTTK

ClinVar aggregate classification (germline): Uncertain significance (1 of 4 stars; one submission).

Allele frequency attached by ClinVar (database versions not stated): ExAC 0.00001; gnomAD 0.00001; gnomAD exomes 0.00001; TOPMed 0.00001.
gnomAD v4.1: 8 of 1,612,858 alleles (0.0005%); highest among the groups gnomAD compares: Admixed American, 0.013%; no homozygotes.

Submission:

Labcorp Genetics (formerly Invitae), Labcorp
Classification: Uncertain significance. Last evaluated: 2023-08-04. Review status: criteria provided, single submitter. Criteria: Invitae Variant Classification Sherloc (09022015). Collection method: clinical testing. Allele origin: germline.
Comment: This variant has not been reported in the literature in individuals affected with NAA35-related conditions. An algorithm developed to predict the effect of missense changes on protein structure and function (PolyPhen-2) suggests that this variant is likely to be tolerated. In summary, the available evidence is currently insufficient to determine the role of this variant in disease. Therefore, it has been classified as a Variant of Uncertain Significance. This variant is present in population databases (rs745654883, gnomAD 0.01%). This sequence change replaces histidine, which is basic and polar, with arginine, which is basic and polar, at codon 281 of the NAA35 protein (p.His281Arg).